The following is an entry in ClinVar:

NM_030948.6(PHACTR1):c.251-39259A>G

Gene: PHACTR1 (phosphatase and actin regulator 1; plus strand). Cytogenetic location: 6p24.1.
Variant type: single nucleotide variant.
Coding change: c.251-39259A>G on transcript NM_030948.6 (MANE Select); 39259 bases into the intron before coding-DNA position 251, A replaced by G.
Molecular consequence: intron variant. On other transcripts: missense variant (1).
Genome position (GRCh38, 1-based): chr6:13,014,106, A>G. VCF-style: chr6-13014106-A-G. GRCh37 (hg19) VCF-style: chr6-13014338-A-G.
Other names: c.220A>G, p.Ser74Gly (NM_001322314.4); c.251-39259A>G (NM_001242648.4, NM_001374581.2, NM_001322308.3 and 3 more transcripts); c.-26-39259A>G (NM_001322313.2, NM_001322312.3, NM_001322311.2 and 1 more transcripts); short protein forms S74G.
Identifiers: ClinVar variation 1701496 (VCV001701496.31), dbSNP rs1799820002, ClinGen allele CA2580074220.
Genomic context (GRCh38, chr6:13,014,106, plus strand): 5'-AACAACAACGTGTCCTTTGTGATCCACTGTCAACTAGGCAAGGAGATCAAACACATTTGC[A>G]GCAACTGCAGTCGGGGGGAGGACGCCCGGGACGGTGAGTGCCGGGGCCCGTCGGGGCGGC-3'

ClinVar aggregate classification (germline): Uncertain significance (1 of 4 stars; one submission).

Submission:

CeGaT Center for Human Genetics Tuebingen
Classification: Uncertain significance. Last evaluated: 2022-07-01. Review status: criteria provided, single submitter. Criteria: CeGaT Center For Human Genetics Tuebingen Variant Classification Criteria Version 2. Collection method: clinical testing. Allele origin: germline. Affected: yes. Observed: 1 variant allele.
Comment: PHACTR1: PM2, BP5